The following is an entry in ClinVar:

NM_001211.6(BUB1B):c.2631A>T (p.Glu877Asp)

Gene: BUB1B (BUB1 mitotic checkpoint serine/threonine kinase B; plus strand). Cytogenetic location: 15q15.1.
Variant type: single nucleotide variant.
Coding change: c.2631A>T on transcript NM_001211.6 (MANE Select); coding-DNA position 2631, A replaced by T.
Protein change: p.Glu877Asp; replaces glutamic acid 877 with aspartic acid.
Molecular consequence: missense variant.
Genome position (GRCh38, 1-based): chr15:40,213,427, A>T. VCF-style: chr15-40213427-A-T. GRCh37 (hg19) VCF-style: chr15-40505628-A-T.
Other names: short protein forms E877D.
Identifiers: ClinVar variation 3221399 (VCV003221399.1), dbSNP rs2542577076, ClinGen allele CA391686390.

ClinVar aggregate classification (germline): Uncertain significance (1 of 4 stars; one submission).

Conditions:
Inborn genetic diseases. Identifiers: MedGen C0950123, MeSH D030342.

Submission:

Ambry Genetics
Classification: Uncertain significance for Inborn genetic diseases. Last evaluated: 2024-01-14. Review status: criteria provided, single submitter. Criteria: Ambry Variant Classification Scheme 2023. Collection method: clinical testing. Allele origin: germline.
Comment: The p.E877D variant (also known as c.2631A>T), located in coding exon 20 of the BUB1B gene, results from an A to T substitution at nucleotide position 2631. The glutamic acid at codon 877 is replaced by aspartic acid, an amino acid with highly similar properties. This amino acid position is conserved. In addition, this alteration is predicted to be tolerated by in silico analysis. Since supporting evidence is limited at this time, the clinical significance of this alteration remains unclear.